The following is an entry in ClinVar:

ClinVar aggregate classification (germline): Uncertain significance (1 of 4 stars; one submission).

Submission:

Women's Health and Genetics/Laboratory Corporation of America, LabCorp
Classification: Uncertain significance. Last evaluated: 2022-09-30. Review status: criteria provided, single submitter. Criteria: LabCorp Variant Classification Summary - May 2015. Collection method: clinical testing. Allele origin: germline.
Comment: Variant summary: IFT122 c.547A>C (p.Ser183Arg) results in a non-conservative amino acid change in the encoded protein sequence. Three of five in-silico tools predict a benign effect of the variant on protein function. The variant was absent in 251338 control chromosomes (gnomAD). The available data on variant occurrences in the general population are insufficient to allow any conclusion about variant significance. To our knowledge, no occurrence of c.547A>C in individuals affected with Cranioectodermal Dysplasia 1 and no experimental evidence demonstrating its impact on protein function have been reported. No clinical diagnostic laboratories have submitted clinical-significance assessments for this variant to ClinVar after 2014. Based on the evidence outlined above, the variant was classified as uncertain significance.

NM_052989.3(IFT122):c.394A>C (p.Ser132Arg)

Gene: IFT122 (intraflagellar transport 122; plus strand). Cytogenetic location: 3q21.3.
Variant type: single nucleotide variant.
Coding change: c.394A>C on transcript NM_052989.3 (MANE Select); coding-DNA position 394, A replaced by C.
Protein change: p.Ser132Arg; replaces serine 132 with arginine.
Molecular consequence: missense variant. On other transcripts: 5 prime UTR variant (2).
Genome position (GRCh38, 1-based): chr3:129,463,604, A>C. VCF-style: chr3-129463604-A-C. GRCh37 (hg19) VCF-style: chr3-129182447-A-C.
Other names: c.547A>C, p.Ser183Arg (NM_001280541.2, NM_052985.4); c.-57A>C (NM_001280545.2, NM_001280546.2); c.394A>C, p.Ser132Arg (NM_001410808.1, NM_001410809.1, NM_001410810.1 and 3 more transcripts); c.238A>C, p.Ser80Arg (NM_001410815.1, NM_001410817.1, NM_052990.3); short protein forms S132R, S183R, S80R.
Identifiers: ClinVar variation 1722469 (VCV001722469.1), dbSNP rs1048830398, ClinGen allele CA354471958.